The following is an entry in ClinVar:

NM_001378418.1(TCF20):c.1633G>C (p.Asp545His)

Gene: TCF20 (transcription factor 20; minus strand). Cytogenetic location: 22q13.2.
Variant type: single nucleotide variant.
Coding change: c.1633G>C on transcript NM_001378418.1 (MANE Select); coding-DNA position 1633, G replaced by C.
Protein change: p.Asp545His; replaces aspartic acid 545 with histidine.
Molecular consequence: missense variant.
Genome position (GRCh38, 1-based): chr22:42,213,673, C>G on the plus strand (G>C on the coding strand, the complement: TCF20 is on the minus strand). VCF-style: chr22-42213673-C-G. GRCh37 (hg19) VCF-style: chr22-42609679-C-G.
Other names: c.1633G>C, p.Asp545His (NM_005650.4, NM_181492.3); c.1633G>C (NM_005650.3); short protein forms D545H.
Identifiers: ClinVar variation 1461461 (VCV001461461.7), dbSNP rs2147215924, ClinGen allele CA411790388.

ClinVar aggregate classification (germline): Uncertain significance. Review status: criteria provided, multiple submitters, no conflicts (2 of 4 stars). 2 submissions from 2 submitters: Uncertain significance (2). Last evaluated 2026-07-16.

Conditions:
TCF20-related disorder. Also called: TCF20-related condition.

Submissions (2):

PreventionGenetics, part of Exact Sciences
Classification: Uncertain significance for TCF20-related condition. Last evaluated: 2026-07-16. Review status: criteria provided, single submitter. Criteria: ACMG Guidelines, 2015. Collection method: clinical testing. Allele origin: germline.
Comment: The TCF20 c.1633G>C variant is predicted to result in the amino acid substitution p.Asp545His. To our knowledge, this variant has not been reported in the literature or in a large population database (gnomAD), indicating this variant is rare. At this time, the clinical significance of this variant is uncertain due to the absence of conclusive functional and genetic evidence.

Labcorp Genetics (formerly Invitae), Labcorp
Classification: Uncertain significance. Last evaluated: 2021-11-23. Review status: criteria provided, single submitter. Criteria: Invitae Variant Classification Sherloc (09022015). Collection method: clinical testing. Allele origin: germline.
Comment: In summary, the available evidence is currently insufficient to determine the role of this variant in disease. Therefore, it has been classified as a Variant of Uncertain Significance. Algorithms developed to predict the effect of missense changes on protein structure and function are either unavailable or do not agree on the potential impact of this missense change (SIFT: "Deleterious"; PolyPhen-2: "Probably Damaging"; Align-GVGD: "Class C0"). This variant has not been reported in the literature in individuals affected with TCF20-related conditions. This variant is not present in population databases (gnomAD no frequency). This sequence change replaces aspartic acid, which is acidic and polar, with histidine, which is basic and polar, at codon 545 of the TCF20 protein (p.Asp545His).